The following is an entry in ClinVar:

ClinVar aggregate classification (germline): Uncertain significance (1 of 4 stars; one submission).

Conditions:
Cardiovascular phenotype. Identifiers: MedGen CN230736.

Submission:

Ambry Genetics
Classification: Uncertain significance for Cardiovascular phenotype. Last evaluated: 2024-12-08. Review status: criteria provided, single submitter. Criteria: Ambry Variant Classification Scheme 2023. Collection method: clinical testing. Allele origin: germline.
Comment: The p.A240T variant (also known as c.718G>A), located in coding exon 7 of the ANKRD1 gene, results from a G to A substitution at nucleotide position 718. The alanine at codon 240 is replaced by threonine, an amino acid with similar properties. This amino acid position is well conserved in available vertebrate species. In addition, this alteration is predicted to be tolerated by in silico analysis. Based on the available evidence, the clinical significance of this variant remains unclear.

NM_014391.3(ANKRD1):c.718G>A (p.Ala240Thr)

Gene: ANKRD1 (ankyrin repeat domain 1; minus strand). Cytogenetic location: 10q23.31.
Variant type: single nucleotide variant.
Coding change: c.718G>A on transcript NM_014391.3 (MANE Select); coding-DNA position 718, G replaced by A.
Protein change: p.Ala240Thr; replaces alanine 240 with threonine.
Molecular consequence: missense variant.
Genome position (GRCh38, 1-based): chr10:90,915,814, C>T on the plus strand (G>A on the coding strand, the complement: ANKRD1 is on the minus strand). VCF-style: chr10-90915814-C-T. GRCh37 (hg19) VCF-style: chr10-92675571-C-T.
Other names: short protein forms A240T.
Identifiers: ClinVar variation 3543149 (VCV003543149.1).
Genomic context (GRCh38, chr10:90,915,814, plus strand): 5'-GGAAACCCGAGCGTGTCCAGCTACTCACTCTGTCTTTGGCGTTGAGGTCTGCCTCACAGG[C>T]GATAAGATGCTCCGCGCACTCATAGTGGCCAGTCCTCACCGCCACATGCAGCGCTGTGCT-3'
Protein context (NP_055206.2, residues 230-250): GHYECAEHLI[Ala240Thr]CEADLNAKDR